The following is an entry in ClinVar:

NM_001291303.3(FAT4):c.4673G>C (p.Gly1558Ala)

Gene: FAT4 (FAT atypical cadherin 4; plus strand). Cytogenetic location: 4q28.1.
Variant type: single nucleotide variant.
Coding change: c.4673G>C on transcript NM_001291303.3 (MANE Select); coding-DNA position 4673, G replaced by C.
Protein change: p.Gly1558Ala; replaces glycine 1558 with alanine.
Molecular consequence: missense variant. On other transcripts: intron variant (1).
Genome position (GRCh38, 1-based): chr4:125,321,084, G>C. VCF-style: chr4-125321084-G-C. GRCh37 (hg19) VCF-style: chr4-126242239-G-C.
Other names: c.4673G>C, p.Gly1558Ala (NM_001291285.3, NM_001438396.1, NM_001438397.1 and 1 more transcripts); c.-55+5107G>C (NM_001437895.1); short protein forms G1558A.
Identifiers: ClinVar variation 4538648 (VCV004538648.1).
Genomic context (GRCh38, chr4:125,321,084, plus strand): 5'-ACCCATCAGCTGTGATTGGTTCCGTTCTGACAACAATTATGGCTGCTGACCCAGATGAAG[G>C]TGCTAATGGAGAAATAGAGTATGAGATCATCAATGGGGACACAGACACCTTCATTGTTGA-3'
Protein context (NP_001278232.1, residues 1548-1568): TTIMAADPDE[Gly1558Ala]ANGEIEYEII

ClinVar aggregate classification (germline): Uncertain significance (1 of 4 stars; one submission).

gnomAD v4.1: 3 of 1,614,046 alleles (0.00019%); highest among the groups gnomAD compares: Admixed American, 0.005%; no homozygotes.

Submission:

GeneDx
Classification: Uncertain significance. Last evaluated: 2025-06-17. Review status: criteria provided, single submitter. Criteria: GeneDx Variant Classification Process June 2021. Collection method: clinical testing. Allele origin: germline. Affected: yes.
Comment: Not observed at significant frequency in large population cohorts (gnomAD); In silico analysis suggests that this missense variant does not alter protein structure/function; Has not been previously published as pathogenic or benign to our knowledge